The following is an entry in ClinVar:

NM_001903.5(CTNNA1):c.1028C>T (p.Ala343Val)

Gene: CTNNA1 (catenin alpha 1; plus strand). Cytogenetic location: 5q31.2.
Variant type: single nucleotide variant.
Coding change: c.1028C>T on transcript NM_001903.5 (MANE Select); coding-DNA position 1028, C replaced by T.
Protein change: p.Ala343Val; replaces alanine 343 with valine.
Molecular consequence: missense variant.
Genome position (GRCh38, 1-based): chr5:138,827,684, C>T. VCF-style: chr5-138827684-C-T. GRCh37 (hg19) VCF-style: chr5-138163373-C-T.
Other names: c.1028C>T, p.Ala343Val (NM_001290307.3, NM_001323982.2, NM_001323983.1 and 3 more transcripts); c.719C>T, p.Ala240Val (NM_001290309.3); c.659C>T, p.Ala220Val (NM_001290310.3); c.1028C>T (NM_001903.2); short protein forms A240V, A343V, A220V.
Identifiers: ClinVar variation 2869567 (VCV002869567.5), dbSNP rs1561568512, ClinGen allele CA361131227.

ClinVar aggregate classification (germline): Uncertain significance. Review status: criteria provided, multiple submitters, no conflicts (2 of 4 stars). 3 submissions from 3 submitters: Uncertain significance (3). Last evaluated 2025-12-26.

Conditions:
Hereditary cancer-predisposing syndrome. Also called: Tumor predisposition; Neoplastic Syndromes, Hereditary; Hereditary Cancer Syndrome; Hereditary neoplastic syndrome. Identifiers: Orphanet 140162, MedGen C0027672, MeSH D009386, MONDO:0015356.

Allele frequency attached by ClinVar (database versions not stated): gnomAD exomes below 0.00001.
gnomAD v4.1: 3 of 1,614,212 alleles (0.00019%); highest among the groups gnomAD compares: Non-Finnish European, 0.00025%; no homozygotes.

Submissions (3):

Ambry Genetics
Classification: Uncertain significance for Hereditary cancer-predisposing syndrome. Last evaluated: 2025-12-26. Review status: criteria provided, single submitter. Criteria: Ambry Variant Classification Scheme 2023. Collection method: clinical testing. Allele origin: germline.
Comment: The p.A343V variant (also known as c.1028C>T), located in coding exon 6 of the CTNNA1 gene, results from a C to T substitution at nucleotide position 1028. The alanine at codon 343 is replaced by valine, an amino acid with similar properties. This amino acid position is conserved. In addition, the in silico prediction for this alteration is inconclusive. Based on the available evidence, the clinical significance of this variant remains unclear.

Center for Genomic Medicine, Rigshospitalet, Copenhagen University Hospital
Classification: Uncertain significance. Last evaluated: 2025-03-04. Review status: criteria provided, single submitter. Criteria: ACMG Guidelines, 2015. Collection method: clinical testing. Allele origin: germline.

Labcorp Genetics (formerly Invitae), Labcorp
Classification: Uncertain significance. Last evaluated: 2024-10-16. Review status: criteria provided, single submitter. Criteria: Invitae Variant Classification Sherloc (09022015). Collection method: clinical testing. Allele origin: germline.
Comment: This sequence change replaces alanine, which is neutral and non-polar, with valine, which is neutral and non-polar, at codon 343 of the CTNNA1 protein (p.Ala343Val). This variant is not present in population databases (gnomAD no frequency). This variant has not been reported in the literature in individuals affected with CTNNA1-related conditions. Invitae Evidence Modeling of protein sequence and biophysical properties (such as structural, functional, and spatial information, amino acid conservation, physicochemical variation, residue mobility, and thermodynamic stability) indicates that this missense variant is expected to disrupt CTNNA1 protein function with a positive predictive value of 80%. In summary, the available evidence is currently insufficient to determine the role of this variant in disease. Therefore, it has been classified as a Variant of Uncertain Significance.